The following is an entry in ClinVar:

NM_004341.5(CAD):c.3449C>T (p.Ala1150Val)

Gene: CAD (carbamoyl-phosphate synthetase 2, aspartate transcarbamylase, and dihydroorotase; plus strand). Cytogenetic location: 2p23.3.
Variant type: single nucleotide variant.
Coding change: c.3449C>T on transcript NM_004341.5 (MANE Select); coding-DNA position 3449, C replaced by T.
Protein change: p.Ala1150Val; replaces alanine 1150 with valine.
Molecular consequence: missense variant.
Genome position (GRCh38, 1-based): chr2:27,234,057, C>T. VCF-style: chr2-27234057-C-T. GRCh37 (hg19) VCF-style: chr2-27456925-C-T.
Other names: c.3260C>T, p.Ala1087Val (NM_001306079.2); short protein forms A1087V, A1150V.
Identifiers: ClinVar variation 4072290 (VCV004072290.1).

ClinVar aggregate classification (germline): Uncertain significance (1 of 4 stars; one submission).

Conditions:
Developmental and epileptic encephalopathy, 50 (DEE50). Also called: Epileptic encephalopathy, early infantile, 50. Identifiers: Orphanet 448010, MedGen C4225320, MONDO:0014647, OMIM 616457.

Submission:

3billion
Classification: Uncertain significance for Developmental and epileptic encephalopathy, 50. Last evaluated: 2024-11-27. Review status: criteria provided, single submitter. Criteria: ACMG Guidelines, 2015. Collection method: clinical testing. Allele origin: germline. Affected: yes.
Comment: The variant is not observed in the gnomAD v4.1.0 dataset. Predicted Consequence/Location: Missense variant In silico tool predictions suggest damaging effect of the variant on gene or gene product [REVEL: 0.82 (>=0.6, sensitivity 0.68 and specificity 0.92)]. Therefore, this variant is classified as VUS according to the recommendation of ACMG/AMP guideline.